The following is an entry in ClinVar:

NM_020433.5(JPH2):c.424G>T (p.Gly142Ter)

Gene: JPH2 (junctophilin 2; minus strand). Cytogenetic location: 20q13.12.
Variant type: single nucleotide variant.
Coding change: c.424G>T on transcript NM_020433.5 (MANE Select); coding-DNA position 424, G replaced by T.
Protein change: p.Gly142Ter; replaces glycine 142 with a stop codon.
Molecular consequence: nonsense.
Genome position (GRCh38, 1-based): chr20:44,160,363, C>A on the plus strand (G>T on the coding strand, the complement: JPH2 is on the minus strand). VCF-style: chr20-44160363-C-A. GRCh37 (hg19) VCF-style: chr20-42789003-C-A.
Other names: short protein forms G142*.
Identifiers: ClinVar variation 488956 (VCV000488956.8), dbSNP rs765874503, ClinGen allele CA9868841.
Genomic context (GRCh38, chr20:44,160,363, plus strand): 5'-ACGTGCGCAGCGGCGAGCGCACCACCACGGCCATCCCGTAGGGCACGCTCTGGCGTACTC[C>A]GTAGCCATGGCGCATGCCGTTGGTGAACTGGCCTTGGTACGTCCCTGCGGGCGAGGAGAG-3'

ClinVar aggregate classification (germline): Conflicting classifications of pathogenicity. Review status: criteria provided, conflicting classifications (1 of 4 stars). 4 submissions from 4 submitters: Likely pathogenic (3); Uncertain significance (1). Last evaluated 2026-01-21.

Conditions:
Cardiovascular phenotype. Identifiers: MedGen CN230736.
Cardiomyopathy, dilated, 2E. Identifiers: MedGen C5561970, MONDO:0030366, OMIM 619492.

Allele frequency attached by ClinVar (database versions not stated): ExAC 0.00002.
gnomAD v4.1: 15 of 1,604,016 alleles (0.00094%); highest among the groups gnomAD compares: Non-Finnish European, 0.0013%; no homozygotes.

Submissions (4):

Victorian Clinical Genetics Services, Murdoch Childrens Research Institute
Classification: Likely pathogenic for Cardiomyopathy, dilated, 2E. Last evaluated: 2026-01-21. Review status: criteria provided, single submitter. Criteria: ACMG Guidelines, 2015. Collection method: clinical testing. Allele origin: germline. Affected: yes.
Comment: This variant is classified as Likely pathogenic. Evidence in support of pathogenic classification: Variant is predicted to cause nonsense-mediated decay (NMD) and loss of protein (premature termination codon is located at least 54 nucleotides upstream of the final exon-exon junction); Variant is present in gnomAD <0.01 (v4: 15 heterozygote(s), 0 homozygote(s)). - Other NMD-predicted variant(s) comparable to the one identified in this case have moderate previous evidence for pathogenicity. NMD-predicted variants have been reported as homozygous in severe, early-onset paediatric cardiomyopathy cases. Heterozygous relatives were all unaffected (PMIDs: 30384889, 31227780, 35838873, 34036930). Additional information: This variant is heterozygous; This gene is associated with both recessive and dominant disease. Autosomal recessive inheritance has been reported for dilated cardiomyopathy 2E (MIM#619492), with biallelic nonsense variants reported in severe, paediatric-onset DCM (PMIDs: 27471098, 30384889, 31227780; OMIM). Hypertrophic cardiomyopathy 17 (MIM#613873) is associated with autosomal dominant inheritance (OMIM, PanelApp Australia); however, this is currently rated as moderate by ClinGen; Previous reports of pathogenicity for this variant are conflicting. This variant has been classified as likely pathogenic and as a VUS by clinical laboratories in ClinVar; No published evidence of segregation with disease has been identified for this variant; No published functional evidence has been identified for this variant; Loss of function is a known mechanism of disease in this gene and is associated with autosomal recessive dilated cardiomyopathy 2E (MIM#619492). Loss of function is a suggested mechanism of disease for missense variants causing hypertrophic cardiomyopathy 17 (MIM#613873); however, dominant negative has not been excluded; Inheritance information for this variant is not currently available in this individual.

ARUP Laboratories, Molecular Genetics and Genomics, ARUP Laboratories
Classification: Likely pathogenic. Last evaluated: 2023-10-03. Review status: criteria provided, single submitter. Criteria: ARUP Molecular Germline Variant Investigation Process 2024. Collection method: clinical testing. Allele origin: germline.
Comment: The JPH2 c.424G>T; p.Gly142Ter variant, to our knowledge, is not reported in the medical literature but is reported in ClinVar (Variation ID: 488956). This variant is only observed on one allele in the Genome Aggregation Database (v2.1.1), indicating it is not a common polymorphism. This variant induces an early termination codon and is predicted to result in a truncated protein or mRNA subject to nonsense-mediated decay. Based on available information, this variant is considered to be likely pathogenic.

GeneDx
Classification: Likely pathogenic. Last evaluated: 2022-07-06. Review status: criteria provided, single submitter. Criteria: GeneDx Variant Classification Process June 2021. Collection method: clinical testing. Allele origin: germline. Affected: yes.
Comment: Nonsense variant predicted to result in protein truncation or nonsense mediated decay in a gene for which loss of function is a known mechanism of disease; Not observed at significant frequency in large population cohorts (gnomAD); Has not been previously published as pathogenic or benign to our knowledge

Ambry Genetics
Classification: Uncertain significance for Cardiovascular phenotype. Last evaluated: 2022-03-09. Review status: criteria provided, single submitter. Criteria: Ambry Variant Classification Scheme 2023. Collection method: clinical testing. Allele origin: germline.
Comment: The p.G142* variant (also known as c.424G>T), located in coding exon 2 of the JPH2 gene, results from a G to T substitution at nucleotide position 424. This changes the amino acid from a glycine to a stop codon within coding exon 2. This alteration is expected to result in loss of function by premature protein truncation or nonsense-mediated mRNA decay. Although biallelic loss of function alterations in JPH2 have been associated with autosomal recessive dilated cardiomyopathy, haploinsufficiency for JPH2 has not been clearly established as a mechanism of disease for autosomal dominant hypertrophic cardiomyopathy. Based on the supporting evidence, this variant is expected to be causative of autosomal recessive dilated cardiomyopathy when present along with a second pathogenic variant on the other allele; however, its clinical significance for autosomal dominant hypertrophic cardiomyopathy is unclear.

Literature cited by the submitters: PubMed 30384889 (cited by Victorian Clinical Genetics Services, Murdoch Childrens Research Institute); PubMed 31227780 (cited by Victorian Clinical Genetics Services, Murdoch Childrens Research Institute); PubMed 27471098 (cited by Victorian Clinical Genetics Services, Murdoch Childrens Research Institute); PubMed 34036930 (cited by Victorian Clinical Genetics Services, Murdoch Childrens Research Institute); PubMed 35838873 (cited by Victorian Clinical Genetics Services, Murdoch Childrens Research Institute).